The following is an entry in ClinVar:

ClinVar aggregate classification (germline): Uncertain significance (1 of 4 stars; one submission).

Submission:

Ambry Genetics
Classification: Uncertain significance. Last evaluated: 2025-11-10. Review status: criteria provided, single submitter. Criteria: Ambry Variant Classification Scheme 2023. Collection method: clinical testing. Allele origin: germline.
Comment: The p.P231R variant (also known as c.692C>G), located in coding exon 6 of the RNF43 gene, results from a C to G substitution at nucleotide position 692. The proline at codon 231 is replaced by arginine, an amino acid with dissimilar properties. This amino acid position is conserved. In addition, this alteration is predicted to be tolerated by in silico analysis. Based on the available evidence, the clinical significance of this variant remains unclear.

NM_017763.6(RNF43):c.692C>G (p.Pro231Arg)

Gene: RNF43 (ring finger protein 43; minus strand). Cytogenetic location: 17q22.
Variant type: single nucleotide variant.
Coding change: c.692C>G on transcript NM_017763.6 (MANE Select); coding-DNA position 692, C replaced by G.
Protein change: p.Pro231Arg; replaces proline 231 with arginine.
Molecular consequence: missense variant.
Genome position (GRCh38, 1-based): chr17:58,360,940, G>C on the plus strand (C>G on the coding strand, the complement: RNF43 is on the minus strand). VCF-style: chr17-58360940-G-C. GRCh37 (hg19) VCF-style: chr17-56438301-G-C.
Other names: c.692C>G, p.Pro231Arg (NM_001305544.3, NM_001438820.1, NM_001438821.1 and 1 more transcripts); c.311C>G, p.Pro104Arg (NM_001305545.2, NM_001437987.1); short protein forms P104R, P231R.
Identifiers: ClinVar variation 4578988 (VCV004578988.1).